The following is an entry in ClinVar:

ClinVar aggregate classification (germline): Benign. Review status: criteria provided, multiple submitters, no conflicts (2 of 4 stars). 2 submissions from 2 submitters: Benign (2). Last evaluated 2021-07-10.

Conditions:
Pontocerebellar hypoplasia type 1A (PCH1A). Also called: PONTOCEREBELLAR HYPOPLASIA WITH ANTERIOR HORN CELL DISEASE; PONTOCEREBELLAR HYPOPLASIA WITH INFANTILE SPINAL MUSCULAR ATROPHY. Identifiers: Orphanet 2254, Orphanet 88616, MedGen C1843504, MONDO:0011866, OMIM 607596.

Allele frequency attached by ClinVar (database versions not stated): 1000 Genomes Project 30x 0.30465; 1000 Genomes Project 0.30611; TOPMed 0.33343; gnomAD 0.34167 and 0.34317.
gnomAD v4.1: 52,127 of 152,038 alleles (34%); highest among the groups gnomAD compares: South Asian, 43%; 9,313 homozygotes.

Submissions (2):

Genome-Nilou Lab
Classification: Benign for Pontocerebellar hypoplasia type 1A. Last evaluated: 2021-07-10. Review status: criteria provided, single submitter. Criteria: ACMG Guidelines, 2015. Collection method: clinical testing. Allele origin: germline. Affected: no.

GeneDx
Classification: Benign. Last evaluated: 2018-06-14. Review status: criteria provided, single submitter. Criteria: GeneDx Variant Classification (06012015). Collection method: clinical testing. Allele origin: germline. Affected: yes.
Comment: This variant is considered likely benign or benign based on one or more of the following criteria: it is a conservative change, it occurs at a poorly conserved position in the protein, it is predicted to be benign by multiple in silico algorithms, and/or has population frequency not consistent with disease.

NM_003384.3(VRK1):c.217-244T>C

Gene: VRK1 (VRK serine/threonine kinase 1; plus strand). Cytogenetic location: 14q32.2.
Variant type: single nucleotide variant.
Coding change: c.217-244T>C on transcript NM_003384.3 (MANE Select); 244 bases into the intron before coding-DNA position 217, T replaced by C.
Molecular consequence: intron variant.
Genome position (GRCh38, 1-based): chr14:96,845,851, T>C. VCF-style: chr14-96845851-T-C. GRCh37 (hg19) VCF-style: chr14-97312188-T-C.
Identifiers: ClinVar variation 670273 (VCV000670273.5), dbSNP rs12586511, ClinGen allele CA266072134.